The following is an entry in ClinVar:

ClinVar aggregate classification (germline): Likely pathogenic (1 of 4 stars; one submission).

Submission:

Labcorp Genetics (formerly Invitae), Labcorp
Classification: Likely pathogenic. Last evaluated: 2023-04-11. Review status: criteria provided, single submitter. Criteria: Invitae Variant Classification Sherloc (09022015). Collection method: clinical testing. Allele origin: germline.
Comment: In summary, the currently available evidence indicates that the variant is pathogenic, but additional data are needed to prove that conclusively. Therefore, this variant has been classified as Likely Pathogenic. Algorithms developed to predict the effect of sequence changes on RNA splicing suggest that this variant may disrupt the consensus splice site. This variant has not been reported in the literature in individuals affected with ADAMTS18-related conditions. This variant is not present in population databases (gnomAD no frequency). This sequence change affects a donor splice site in intron 21 of the ADAMTS18 gene. It is expected to disrupt RNA splicing. Variants that disrupt the donor or acceptor splice site typically lead to a loss of protein function (PMID: 16199547), and loss-of-function variants in ADAMTS18 are known to be pathogenic (PMID: 23818446, 24874986).

Literature cited by the submitters: PubMed 16199547; PubMed 23818446; PubMed 24874986.

NM_199355.4(ADAMTS18):c.3402+2T>G

Gene: ADAMTS18 (ADAM metallopeptidase with thrombospondin type 1 motif 18; minus strand). Cytogenetic location: 16q23.1.
Variant type: single nucleotide variant.
Coding change: c.3402+2T>G on transcript NM_199355.4 (MANE Select); the canonical splice donor site of the intron after coding-DNA position 3402, T replaced by G.
Molecular consequence: splice donor variant.
Genome position (GRCh38, 1-based): chr16:77,291,264, A>C on the plus strand (T>G on the coding strand, the complement: ADAMTS18 is on the minus strand). VCF-style: chr16-77291264-A-C. GRCh37 (hg19) VCF-style: chr16-77325161-A-C.
Other names: c.2886+2T>G (NM_001326358.2).
Identifiers: ClinVar variation 2825085 (VCV002825085.3), dbSNP rs1597081365, ClinGen allele CA396831549.
Genomic context (GRCh38, chr16:77,291,264, plus strand): 5'-AGAACGCCTCATTTTTCGACATCTCACTTGAATAGACACCTCCTCAATCGGCCTGTACCC[A>C]CCTGCTGCCACGGCAATGAATACCATCCAGCTACCATGTTGTACACTGGATGGGCTGGGC-3'